The following is an entry in ClinVar:

NM_001145418.2(TTC28):c.2478G>A (p.Lys826=)

Gene: TTC28 (tetratricopeptide repeat domain 28; minus strand). Cytogenetic location: 22q12.1.
Variant type: single nucleotide variant.
Coding change: c.2478G>A on transcript NM_001145418.2 (MANE Select); coding-DNA position 2478, G replaced by A.
Protein change: p.Lys826=; no amino-acid change (lysine 826 retained).
Molecular consequence: synonymous variant.
Genome position (GRCh38, 1-based): chr22:28,107,367, C>T on the plus strand (G>A on the coding strand, the complement: TTC28 is on the minus strand). VCF-style: chr22-28107367-C-T. GRCh37 (hg19) VCF-style: chr22-28503355-C-T.
Other names: c.2478G>A, p.Lys826= (NM_001393403.1); c.2124G>A, p.Lys708= (NM_001393404.1, NM_001393405.1).
Identifiers: ClinVar variation 3048851 (VCV003048851.2), dbSNP rs201951655, ClinGen allele CA10167427.
Genomic context (GRCh38, chr22:28,107,367, plus strand): 5'-GTTCATCTTTGTGATGCCCATGTTGCCATAGACCTGGGCTTCCAGACTCGGATCCTTCAG[C>T]TTTTGCCCTAGATCCAGTTGCTCTTCATAACACTTGAATGCCATTGTGTATTTCCCAAGG-3'
Protein context (NP_001138890.1, residues 816-836): CYEEQLDLGQ[Lys826=]LKDPSLEAQV

ClinVar aggregate classification (germline): Likely benign (0 of 4 stars; one submission).

Conditions:
TTC28-related disorder. Also called: TTC28-related condition.

Allele frequency attached by ClinVar (database versions not stated): ExAC 0.00009; TOPMed 0.00028; gnomAD 0.00032; gnomAD exomes 0.00033.
gnomAD v4.1: 506 of 1,551,810 alleles (0.033%); highest among the groups gnomAD compares: Admixed American, 0.045%; no homozygotes.

Submission:

PreventionGenetics, part of Exact Sciences
Classification: Likely benign for TTC28-related condition. Last evaluated: 2019-03-01. Review status: no assertion criteria provided. Collection method: clinical testing. Allele origin: germline.
Comment: This variant is classified as likely benign based on ACMG/AMP sequence variant interpretation guidelines (Richards et al. 2015 PMID: 25741868, with internal and published modifications).